The following is an entry in ClinVar:

ClinVar aggregate classification (germline): Uncertain significance (1 of 4 stars; one submission).

Conditions:
Adams-Oliver syndrome 5 (AOS5). Identifiers: Orphanet 974, MedGen C4014970, MONDO:0014459, OMIM 616028.

gnomAD v4.1: 7 of 1,612,376 alleles (0.00043%); highest among the groups gnomAD compares: Non-Finnish European, 0.00059%; no homozygotes.

Submission:

Labcorp Genetics (formerly Invitae), Labcorp
Classification: Uncertain significance for Adams-Oliver syndrome 5. Last evaluated: 2024-12-31. Review status: criteria provided, single submitter. Criteria: Invitae Variant Classification Sherloc (09022015). Collection method: clinical testing. Allele origin: germline.
Comment: This sequence change replaces lysine, which is basic and polar, with asparagine, which is neutral and polar, at codon 1780 of the NOTCH1 protein (p.Lys1780Asn). This variant is not present in population databases (gnomAD no frequency). This variant has not been reported in the literature in individuals affected with NOTCH1-related conditions. Invitae Evidence Modeling of protein sequence and biophysical properties (such as structural, functional, and spatial information, amino acid conservation, physicochemical variation, residue mobility, and thermodynamic stability) indicates that this missense variant is not expected to disrupt NOTCH1 protein function with a negative predictive value of 80%. In summary, the available evidence is currently insufficient to determine the role of this variant in disease. Therefore, it has been classified as a Variant of Uncertain Significance.

NM_017617.5(NOTCH1):c.5340G>T (p.Lys1780Asn)

Gene: NOTCH1 (notch receptor 1; minus strand). Cytogenetic location: 9q34.3.
Variant type: single nucleotide variant.
Coding change: c.5340G>T on transcript NM_017617.5 (MANE Select); coding-DNA position 5340, G replaced by T.
Protein change: p.Lys1780Asn; replaces lysine 1780 with asparagine.
Molecular consequence: missense variant.
Genome position (GRCh38, 1-based): chr9:136,502,316, C>A on the plus strand (G>T on the coding strand, the complement: NOTCH1 is on the minus strand). VCF-style: chr9-136502316-C-A. GRCh37 (hg19) VCF-style: chr9-139396768-C-A.
Other names: short protein forms K1780N.
Identifiers: ClinVar variation 3620249 (VCV003620249.2).